The following is an entry in ClinVar:

ClinVar aggregate classification (germline): Pathogenic (1 of 4 stars; one submission).

Conditions:
Hereditary cancer-predisposing syndrome. Also called: Neoplastic Syndromes, Hereditary; Tumor predisposition; Hereditary neoplastic syndrome; Hereditary Cancer Syndrome. Identifiers: Orphanet 140162, MedGen C0027672, MeSH D009386, MONDO:0015356.

Submission:

Ambry Genetics
Classification: Pathogenic for Hereditary cancer-predisposing syndrome. Last evaluated: 2025-11-19. Review status: criteria provided, single submitter. Criteria: Ambry Variant Classification Scheme 2023. Collection method: clinical testing. Allele origin: germline.
Comment: The c.420_421delCCinsTT pathogenic mutation (also known as p.Q141*), located in coding exon 1 of the MEN1 gene, results from an in-frame deletion of CC and insertion of TT at nucleotide positions 420 to 421. This changes the amino acid from a glutamine to a stop codon. Another variant resulting in the same premature truncation (c.421C>T (p.Q141*)) has been identified in individual(s) with features consistent with Multiple endocrine neoplasia type 1 (Dasouki M et al. Hum Genet, 2008 Jun;123:548-9; Shariq OA et al. Surgery, 2022 Jan;171:77-87). This variant is considered to be rare based on population cohorts in the Genome Aggregation Database (gnomAD). In addition to the clinical data presented in the literature, this alteration is expected to result in loss of function by premature protein truncation or nonsense-mediated mRNA decay. As such, this alteration is interpreted as a disease-causing mutation.

Literature cited by the submitters: PubMed 20960638; PubMed 34183184.

NM_001370259.2(MEN1):c.420_421delinsTT (p.Gln141Ter)

Gene: MEN1 (menin 1; minus strand). Cytogenetic location: 11q13.1.
Variant type: Indel.
Coding change: c.420_421delinsTT on transcript NM_001370259.2 (MANE Select); coding-DNA positions 420 to 421, CC replaced by TT.
Protein change: p.Gln141Ter; replaces glutamine 141 with a stop codon.
Molecular consequence: nonsense. On other transcripts: non-coding transcript variant (4).
Genome position (GRCh38, 1-based): chr11:64,809,689-64,809,690, GG replaced by AA on the plus strand (CC replaced by TT on the coding strand, the reverse complement: MEN1 is on the minus strand). VCF-style: chr11-64809689-GG-AA. GRCh37 (hg19) VCF-style: chr11-64577161-GG-AA.
Other names: c.420_421delinsTT, p.Gln141Ter (NM_000244.4, NM_001370251.2, NM_001370260.2 and 20 more transcripts); short protein forms Q141*.
Identifiers: ClinVar variation 4053819 (VCV004053819.2).